The following is an entry in ClinVar:

NM_005055.5(RAPSN):c.272G>A (p.Arg91His)

Gene: RAPSN (receptor associated protein of the synapse; minus strand). Cytogenetic location: 11p11.2.
Variant type: single nucleotide variant.
Coding change: c.272G>A on transcript NM_005055.5 (MANE Select); coding-DNA position 272, G replaced by A.
Protein change: p.Arg91His; replaces arginine 91 with histidine.
Molecular consequence: missense variant.
Genome position (GRCh38, 1-based): chr11:47,448,071, C>T on the plus strand (G>A on the coding strand, the complement: RAPSN is on the minus strand). VCF-style: chr11-47448071-C-T. GRCh37 (hg19) VCF-style: chr11-47469623-C-T.
Other names: c.272G>A, p.Arg91His (NM_032645.5); short protein forms R91H.
Identifiers: ClinVar variation 1380431 (VCV001380431.5), dbSNP rs375218091, ClinGen allele CA5976767.

ClinVar aggregate classification (germline): Likely pathogenic (1 of 4 stars; one submission).

Conditions:
Congenital myasthenic syndrome 11. Also called: Myasthenic syndrome, congenital, 11, associated with acetylcholine receptor deficiency; MYASTHENIC SYNDROME, CONGENITAL, Ie. Identifiers: Orphanet 590, MedGen C4225367, MONDO:0014588, OMIM 616326.
Fetal akinesia deformation sequence 1 (FADS1). Also called: Fetal akinesia sequence; Pena-Shokeir syndrome type I. Identifiers: Orphanet 994, MedGen C1276035, MONDO:0100101, OMIM 208150, HP:0001989.

Allele frequency attached by ClinVar (database versions not stated): TOPMed 0.00001; ESP Exome Variant Server 0.00008.
gnomAD v4.1: 13 of 1,613,848 alleles (0.00081%); highest among the groups gnomAD compares: Non-Finnish European, 0.00093%; no homozygotes.

Submission:

Labcorp Genetics (formerly Invitae), Labcorp
Classification: Likely pathogenic for Congenital myasthenic syndrome 11; Fetal akinesia deformation sequence 1. Last evaluated: 2022-09-19. Review status: criteria provided, single submitter. Criteria: Invitae Variant Classification Sherloc (09022015). Collection method: clinical testing. Allele origin: germline.
Comment: This sequence change replaces arginine, which is basic and polar, with histidine, which is basic and polar, at codon 91 of the RAPSN protein (p.Arg91His). This variant is present in population databases (rs375218091, gnomAD 0.006%). This variant has not been reported in the literature in individuals affected with RAPSN-related conditions. ClinVar contains an entry for this variant (Variation ID: 1380431). Advanced modeling of protein sequence and biophysical properties (such as structural, functional, and spatial information, amino acid conservation, physicochemical variation, residue mobility, and thermodynamic stability) performed at Invitae indicates that this missense variant is not expected to disrupt RAPSN protein function. This variant disrupts the p.Arg91 amino acid residue in RAPSN. Other variant(s) that disrupt this residue have been determined to be pathogenic (PMID: 14504330, 16945936, 31680123). This suggests that this residue is clinically significant, and that variants that disrupt this residue are likely to be disease-causing. In summary, the currently available evidence indicates that the variant is pathogenic, but additional data are needed to prove that conclusively. Therefore, this variant has been classified as Likely Pathogenic.

Literature cited by the submitters: PubMed 14504330; PubMed 16945936; PubMed 31680123.